The following is an entry in ClinVar:

NM_001042492.3(NF1):c.1263C>T (p.Ser421=)

Gene: NF1 (neurofibromin 1; plus strand). Cytogenetic location: 17q11.2.
Variant type: single nucleotide variant.
Coding change: c.1263C>T on transcript NM_001042492.3 (MANE Select); coding-DNA position 1263, C replaced by T.
Protein change: p.Ser421=; no amino-acid change (serine 421 retained).
Molecular consequence: synonymous variant.
Genome position (GRCh38, 1-based): chr17:31,206,242, C>T. VCF-style: chr17-31206242-C-T. GRCh37 (hg19) VCF-style: chr17-29533260-C-T.
Other names: c.1263C>T, p.Ser421= (NM_000267.4, NM_001128147.3).
Identifiers: ClinVar variation 232136 (VCV000232136.18), dbSNP rs767410768, ClinGen allele CA8485742.

ClinVar aggregate classification (germline): Benign/Likely benign. Review status: criteria provided, multiple submitters, no conflicts (2 of 4 stars). 5 submissions from 5 submitters: Benign (1); Likely benign (4). Last evaluated 2026-05-15.

Conditions:
NF1-related disorder. Also called: NF1-related condition. Identifiers: MedGen CN379171.
Hereditary cancer-predisposing syndrome. Also called: Neoplastic Syndromes, Hereditary; Tumor predisposition; Hereditary Cancer Syndrome; Hereditary neoplastic syndrome. Identifiers: Orphanet 140162, MedGen C0027672, MeSH D009386, MONDO:0015356.
Neurofibromatosis, type 1 (NF1). Also called: NEUROFIBROMATOSIS, TYPE I, SOMATIC; Peripheral type neurofibromatosis; Neurofibromatosis, type I; VON RECKLINGHAUSEN DISEASE. Identifiers: Orphanet 636, MedGen C0027831, MONDO:0018975, OMIM 162200. Disease mechanism: loss of function.

Allele frequency attached by ClinVar (database versions not stated): TOPMed below 0.00001; gnomAD 0.00001; ExAC 0.00002; gnomAD exomes 0.00004.
gnomAD v4.1: 18 of 1,613,404 alleles (0.0011%); highest among the groups gnomAD compares: South Asian, 0.0066%; no homozygotes.

Submissions (5):

Myriad Genetics, Inc.
Classification: Benign for Neurofibromatosis, type 1. Last evaluated: 2026-05-15. Review status: criteria provided, single submitter. Criteria: Myriad Autosomal Dominant, Autosomal Recessive and X-Linked Classification Criteria (2023). Collection method: clinical testing. Allele origin: unknown.
Comment: This variant is considered benign. This variant is a silent/synonymous amino acid change and it is not expected to impact splicing.

PreventionGenetics, part of Exact Sciences
Classification: Likely benign for NF1-related condition. Last evaluated: 2026-04-03. Review status: criteria provided, single submitter. Criteria: ACMG Guidelines, 2015. Collection method: clinical testing. Allele origin: germline.
Comment: This variant is classified as likely benign based on ACMG/AMP sequence variant interpretation guidelines (Richards et al. 2015 PMID: 25741868, with internal and published modifications).

Labcorp Genetics (formerly Invitae), Labcorp
Classification: Likely benign for Neurofibromatosis, type 1. Last evaluated: 2025-12-16. Review status: criteria provided, single submitter. Criteria: Invitae Variant Classification Sherloc (09022015). Collection method: clinical testing. Allele origin: germline.

Genome-Nilou Lab
Classification: Likely benign for Neurofibromatosis, type 1. Last evaluated: 2022-03-15. Review status: criteria provided, single submitter. Criteria: ACMG Guidelines, 2015. Collection method: clinical testing. Allele origin: germline. Affected: no.

Ambry Genetics
Classification: Likely benign for Hereditary cancer-predisposing syndrome. Last evaluated: 2015-06-04. Review status: criteria provided, single submitter. Criteria: Ambry Autosomal Dominant and X-Linked criteria (10/2015). Collection method: clinical testing. Allele origin: germline. Observed: 1 variant allele.